The following is an entry in ClinVar:

NM_001371596.2(MFSD8):c.662G>A (p.Gly221Glu)

Gene: MFSD8 (major facilitator superfamily domain containing 8; minus strand). Cytogenetic location: 4q28.2.
Variant type: single nucleotide variant.
Coding change: c.662G>A on transcript NM_001371596.2 (MANE Select); coding-DNA position 662, G replaced by A.
Protein change: p.Gly221Glu; replaces glycine 221 with glutamic acid.
Molecular consequence: missense variant. On other transcripts: intron variant (5).
Genome position (GRCh38, 1-based): chr4:127,939,889, C>T on the plus strand (G>A on the coding strand, the complement: MFSD8 is on the minus strand). VCF-style: chr4-127939889-C-T. GRCh37 (hg19) VCF-style: chr4-128861044-C-T.
Other names: c.527G>A, p.Gly176Glu (NM_001371590.2); c.662G>A, p.Gly221Glu (NM_001371591.2, NM_152778.4); c.668G>A, p.Gly223Glu (NM_001371592.2); c.548G>A, p.Gly183Glu (NM_001371593.2, NM_001410766.1); c.419-1053G>A (NM_001371595.1); c.304+3863G>A (NM_001410765.1); c.439+3863G>A (NM_001363521.3); c.553+2156G>A (NM_001363520.3); and 1 more; short protein forms G176E, G183E, G223E, G221E.
Identifiers: ClinVar variation 1522495 (VCV001522495.6), dbSNP rs2148907334, ClinGen allele CA358175374.

ClinVar aggregate classification (germline): Uncertain significance (1 of 4 stars; one submission).

Conditions:
Neuronal ceroid lipofuscinosis 7 (CLN7). Also called: MFSD8-Related Neuronal Ceroid-Lipofuscinosis. Identifiers: Orphanet 168491, Orphanet 228366, MedGen C1838571, MONDO:0012588, OMIM 610951.

Submission:

Labcorp Genetics (formerly Invitae), Labcorp
Classification: Uncertain significance for Neuronal ceroid lipofuscinosis 7. Last evaluated: 2024-04-16. Review status: criteria provided, single submitter. Criteria: Invitae Variant Classification Sherloc (09022015). Collection method: clinical testing. Allele origin: germline.
Comment: This sequence change replaces glycine, which is neutral and non-polar, with glutamic acid, which is acidic and polar, at codon 221 of the MFSD8 protein (p.Gly221Glu). This variant is not present in population databases (gnomAD no frequency). This variant has not been reported in the literature in individuals affected with MFSD8-related conditions. ClinVar contains an entry for this variant (Variation ID: 1522495). Advanced modeling of protein sequence and biophysical properties (such as structural, functional, and spatial information, amino acid conservation, physicochemical variation, residue mobility, and thermodynamic stability) performed at Invitae indicates that this missense variant is expected to disrupt MFSD8 protein function with a positive predictive value of 80%. In summary, the available evidence is currently insufficient to determine the role of this variant in disease. Therefore, it has been classified as a Variant of Uncertain Significance.